The following is an entry in ClinVar:

ClinVar aggregate classification (germline): Uncertain significance (1 of 4 stars; one submission).

Conditions:
Inborn genetic diseases. Identifiers: MedGen C0950123, MeSH D030342.

gnomAD v4.1: 10 of 1,595,230 alleles (0.00063%); highest among the groups gnomAD compares: Non-Finnish European, 0.00077%; no homozygotes.

Submission:

Ambry Genetics
Classification: Uncertain significance for Inborn genetic diseases. Last evaluated: 2025-09-17. Review status: criteria provided, single submitter. Criteria: Ambry Variant Classification Scheme 2023. Collection method: clinical testing. Allele origin: germline.
Comment: The p.M808I variant (also known as c.2424G>C), located in coding exon 17 of the MIB1 gene, results from a G to C substitution at nucleotide position 2424. The methionine at codon 808 is replaced by isoleucine, an amino acid with highly similar properties. This amino acid position is conserved. In addition, this alteration is predicted to be tolerated by in silico analysis. Based on the available evidence, the clinical significance of this variant remains unclear.

NM_020774.4(MIB1):c.2424G>C (p.Met808Ile)

Gene: MIB1 (MIB E3 ubiquitin protein ligase 1; plus strand). Cytogenetic location: 18q11.2.
Variant type: single nucleotide variant.
Coding change: c.2424G>C on transcript NM_020774.4 (MANE Select); coding-DNA position 2424, G replaced by C.
Protein change: p.Met808Ile; replaces methionine 808 with isoleucine.
Molecular consequence: missense variant.
Genome position (GRCh38, 1-based): chr18:21,849,226, G>C. VCF-style: chr18-21849226-G-C. GRCh37 (hg19) VCF-style: chr18-19429187-G-C.
Other names: short protein forms M808I.
Identifiers: ClinVar variation 4624988 (VCV004624988.1).